The following is an entry in ClinVar:

NM_015001.3(SPEN):c.7529C>T (p.Ala2510Val)

Gene: SPEN (spen family transcriptional repressor; plus strand). Cytogenetic location: 1p36.13.
Variant type: single nucleotide variant.
Coding change: c.7529C>T on transcript NM_015001.3 (MANE Select); coding-DNA position 7529, C replaced by T.
Protein change: p.Ala2510Val; replaces alanine 2510 with valine.
Molecular consequence: missense variant.
Genome position (GRCh38, 1-based): chr1:15,933,769, C>T. VCF-style: chr1-15933769-C-T. GRCh37 (hg19) VCF-style: chr1-16260264-C-T.
Other names: c.7529C>T (NM_015001.2); short protein forms A2510V.
Identifiers: ClinVar variation 2578565 (VCV002578565.26), dbSNP rs138115027, ClinGen allele CA620121.

ClinVar aggregate classification (germline): Likely benign. Review status: criteria provided, single submitter (1 of 4 stars). 2 submissions from 2 submitters: Likely benign (1). 1 of the submissions does not count toward it. Last evaluated 2026-09-01.

Conditions:
SPEN-related disorder. Also called: SPEN-related condition.

Allele frequency attached by ClinVar (database versions not stated): TOPMed 0.00051; gnomAD exomes 0.00057; gnomAD 0.00064; ESP Exome Variant Server 0.00077; ExAC 0.00088.
gnomAD v4.1: 917 of 1,613,824 alleles (0.057%); highest among the groups gnomAD compares: Admixed American, 0.14%; no homozygotes.

Submissions (2):

CeGaT Center for Human Genetics Tuebingen
Classification: Likely benign. Last evaluated: 2026-09-01. Review status: criteria provided, single submitter. Criteria: CeGaT Center For Human Genetics Tuebingen Variant Classification Criteria Version 2. Collection method: clinical testing. Allele origin: germline. Affected: yes. Observed: 4 variant alleles.
Comment: SPEN: BP4, BS1

PreventionGenetics, part of Exact Sciences
Classification: Likely benign for SPEN-related condition. Last evaluated: 2022-07-18. Review status: no assertion criteria provided. Collection method: clinical testing. Allele origin: germline. Not counted in ClinVar's aggregate classification.
Comment: This variant is classified as likely benign based on ACMG/AMP sequence variant interpretation guidelines (Richards et al. 2015 PMID: 25741868, with internal and published modifications).